The following is an entry in ClinVar:

NM_005826.5(HNRNPR):c.53C>A (p.Pro18Gln)

Gene: HNRNPR (heterogeneous nuclear ribonucleoprotein R; minus strand). Cytogenetic location: 1p36.12.
Variant type: single nucleotide variant.
Coding change: c.53C>A on transcript NM_005826.5 (MANE Select); coding-DNA position 53, C replaced by A.
Protein change: p.Pro18Gln; replaces proline 18 with glutamine.
Molecular consequence: missense variant. On other transcripts: intron variant (4).
Genome position (GRCh38, 1-based): chr1:23,340,956, G>T on the plus strand (C>A on the coding strand, the complement: HNRNPR is on the minus strand). VCF-style: chr1-23340956-G-T. GRCh37 (hg19) VCF-style: chr1-23667449-G-T.
Other names: c.53C>A, p.Pro18Gln (NM_001102398.3, NM_001297620.2); c.-146-2348C>A (NM_001297622.2, NM_001297621.2, NM_001102397.3 and 1 more transcripts); short protein forms P18Q.
Identifiers: ClinVar variation 3778103 (VCV003778103.7).
Genomic context (GRCh38, chr1:23,340,956, plus strand): 5'-AGGCCTGCCTCTATCAGTGTCTTGTAGTGTTCTGTGTGAGTTACACTGGAAGTATCCATT[G>T]GTTCTTCCTCTTCTTTTAACTGTACCGCATTACCATTCACCTGATTAGCCATTTTATTAT-3'
Protein context (NP_005817.1, residues 8-28): NAVQLKEEEE[Pro18Gln]MDTSSVTHTE

ClinVar aggregate classification (germline): Likely benign (1 of 4 stars; one submission).

gnomAD v4.1: 19 of 1,613,010 alleles (0.0012%); highest among the groups gnomAD compares: South Asian, 0.0099%; no homozygotes.

Submission:

CeGaT Center for Human Genetics Tuebingen
Classification: Likely benign. Last evaluated: 2025-03-01. Review status: criteria provided, single submitter. Criteria: CeGaT Center For Human Genetics Tuebingen Variant Classification Criteria Version 2. Collection method: clinical testing. Allele origin: germline. Affected: yes. Observed: 1 variant allele.
Comment: HNRNPR: PP2, BS2